The following is an entry in ClinVar:

ClinVar aggregate classification (germline): Uncertain significance. Review status: criteria provided, multiple submitters, no conflicts (2 of 4 stars). 2 submissions from 2 submitters: Uncertain significance (2). Last evaluated 2024-09-18.

Conditions:
Hereditary pheochromocytoma and paraganglioma. Also called: Hereditary paragangliomas and pheochromocytomas; Hereditary Paraganglioma-Pheochromocytoma Syndromes; Hereditary pheochromocytoma-paraganglioma. Identifiers: Orphanet 29072, MedGen C4274332, MONDO:0017366.
Hereditary cancer-predisposing syndrome. Also called: Tumor predisposition; Hereditary Cancer Syndrome; Hereditary neoplastic syndrome; Neoplastic Syndromes, Hereditary. Identifiers: Orphanet 140162, MedGen C0027672, MeSH D009386, MONDO:0015356.

Submissions (2):

Ambry Genetics
Classification: Uncertain significance for Hereditary cancer-predisposing syndrome. Last evaluated: 2024-09-18. Review status: criteria provided, single submitter. Criteria: Ambry Variant Classification Scheme 2023. Collection method: clinical testing. Allele origin: germline.
Comment: The p.P221A variant (also known as c.661C>G), located in coding exon 3 of the TMEM127 gene, results from a C to G substitution at nucleotide position 661. The proline at codon 221 is replaced by alanine, an amino acid with highly similar properties. This amino acid position is conserved. In addition, the in silico prediction for this alteration is inconclusive. Based on the available evidence, the clinical significance of this variant remains unclear.

Labcorp Genetics (formerly Invitae), Labcorp
Classification: Uncertain significance for Hereditary pheochromocytoma and paraganglioma. Last evaluated: 2022-06-11. Review status: criteria provided, single submitter. Criteria: Invitae Variant Classification Sherloc (09022015). Collection method: clinical testing. Allele origin: germline.
Comment: In summary, the available evidence is currently insufficient to determine the role of this variant in disease. Therefore, it has been classified as a Variant of Uncertain Significance. Algorithms developed to predict the effect of missense changes on protein structure and function (SIFT, PolyPhen-2, Align-GVGD) all suggest that this variant is likely to be disruptive. This variant has not been reported in the literature in individuals affected with TMEM127-related conditions. This variant is not present in population databases (gnomAD no frequency). This sequence change replaces proline, which is neutral and non-polar, with alanine, which is neutral and non-polar, at codon 221 of the TMEM127 protein (p.Pro221Ala).

NM_017849.4(TMEM127):c.661C>G (p.Pro221Ala)

Gene: TMEM127 (transmembrane protein 127; minus strand). Cytogenetic location: 2q11.2.
Variant type: single nucleotide variant.
Coding change: c.661C>G on transcript NM_017849.4 (MANE Select); coding-DNA position 661, C replaced by G.
Protein change: p.Pro221Ala; replaces proline 221 with alanine.
Molecular consequence: missense variant.
Genome position (GRCh38, 1-based): chr2:96,253,864, G>C on the plus strand (C>G on the coding strand, the complement: TMEM127 is on the minus strand). VCF-style: chr2-96253864-G-C. GRCh37 (hg19) VCF-style: chr2-96919602-G-C.
Other names: c.661C>G, p.Pro221Ala (NM_001193304.3); c.409C>G, p.Pro137Ala (NM_001407282.1, NM_001407283.1); short protein forms P137A, P221A.
Identifiers: ClinVar variation 2004913 (VCV002004913.5), dbSNP rs2104283028, ClinGen allele CA347651456.